The following is an entry in ClinVar:

NM_001291303.3(FAT4):c.14743G>A (p.Ala4915Thr)

Gene: FAT4 (FAT atypical cadherin 4; plus strand). Cytogenetic location: 4q28.1.
Variant type: single nucleotide variant.
Coding change: c.14743G>A on transcript NM_001291303.3 (MANE Select); coding-DNA position 14743, G replaced by A.
Protein change: p.Ala4915Thr; replaces alanine 4915 with threonine.
Molecular consequence: missense variant.
Genome position (GRCh38, 1-based): chr4:125,491,559, G>A. VCF-style: chr4-125491559-G-A. GRCh37 (hg19) VCF-style: chr4-126412714-G-A.
Other names: c.14740G>A, p.Ala4914Thr (NM_001291285.3); c.14737G>A, p.Ala4913Thr (NM_024582.6); short protein forms A4913T, A4914T, A4915T.
Identifiers: ClinVar variation 1000217 (VCV001000217.5), dbSNP rs1363330131, ClinGen allele CA358143449.

ClinVar aggregate classification (germline): Uncertain significance (1 of 4 stars; one submission).

gnomAD v4.1: 1 of 1,614,214 alleles (0.000062%); highest among the groups gnomAD compares: South Asian, 0.0011%; no homozygotes.

Submission:

Labcorp Genetics (formerly Invitae), Labcorp
Classification: Uncertain significance. Last evaluated: 2020-10-09. Review status: criteria provided, single submitter. Criteria: Invitae Variant Classification Sherloc (09022015). Collection method: clinical testing. Allele origin: germline.
Comment: This sequence change replaces alanine with threonine at codon 4913 of the FAT4 protein (p.Ala4913Thr). The alanine residue is moderately conserved and there is a small physicochemical difference between alanine and threonine. This variant is not present in population databases (ExAC no frequency). In summary, the available evidence is currently insufficient to determine the role of this variant in disease. Therefore, it has been classified as a Variant of Uncertain Significance. Advanced modeling of protein sequence and biophysical properties (such as structural, functional, and spatial information, amino acid conservation, physicochemical variation, residue mobility, and thermodynamic stability) performed at Invitae indicates that this missense variant is not expected to disrupt FAT4 protein function. This variant has not been reported in the literature in individuals with FAT4-related conditions.